The following is an entry in ClinVar:

ClinVar aggregate classification (germline): Uncertain significance. Review status: criteria provided, multiple submitters, no conflicts (2 of 4 stars). 3 submissions from 3 submitters: Uncertain significance (3). Last evaluated 2025-03-23.

Conditions:
Inborn genetic diseases. Identifiers: MedGen C0950123, MeSH D030342.

gnomAD v4.1: 1 of 1,614,058 alleles (0.000062%); no homozygotes.

Submissions (3):

Labcorp Genetics (formerly Invitae), Labcorp
Classification: Uncertain significance. Last evaluated: 2025-03-23. Review status: criteria provided, single submitter. Criteria: Invitae Variant Classification Sherloc (09022015). Collection method: clinical testing. Allele origin: germline.
Comment: This sequence change replaces histidine, which is basic and polar, with proline, which is neutral and non-polar, at codon 60 of the MDH2 protein (p.His60Pro). This variant is not present in population databases (gnomAD no frequency). This variant has not been reported in the literature in individuals affected with MDH2-related conditions. ClinVar contains an entry for this variant (Variation ID: 1780317). Invitae Evidence Modeling of protein sequence and biophysical properties (such as structural, functional, and spatial information, amino acid conservation, physicochemical variation, residue mobility, and thermodynamic stability) indicates that this missense variant is not expected to disrupt MDH2 protein function with a negative predictive value of 80%. In summary, the available evidence is currently insufficient to determine the role of this variant in disease. Therefore, it has been classified as a Variant of Uncertain Significance.

Blueprint Genetics
Classification: Uncertain significance. Last evaluated: 2024-08-01. Review status: criteria provided, single submitter. Criteria: ACMG Guidelines, 2015. Collection method: clinical testing. Allele origin: germline.

Ambry Genetics
Classification: Uncertain significance for Inborn genetic diseases. Last evaluated: 2023-09-09. Review status: criteria provided, single submitter. Criteria: Ambry Variant Classification Scheme 2023. Collection method: clinical testing. Allele origin: germline.
Comment: The p.H60P variant (also known as c.179A>C), located in coding exon 2 of the MDH2 gene, results from an A to C substitution at nucleotide position 179. The histidine at codon 60 is replaced by proline, an amino acid with similar properties. This amino acid position is conserved. In addition, the in silico prediction for this alteration is inconclusive. Since supporting evidence is limited at this time, the clinical significance of this alteration remains unclear.

NM_005918.4(MDH2):c.179A>C (p.His60Pro)

Gene: MDH2 (malate dehydrogenase 2; plus strand). Cytogenetic location: 7q11.23.
Variant type: single nucleotide variant.
Coding change: c.179A>C on transcript NM_005918.4 (MANE Select); coding-DNA position 179, A replaced by C.
Protein change: p.His60Pro; replaces histidine 60 with proline.
Molecular consequence: missense variant. On other transcripts: intron variant (1).
Genome position (GRCh38, 1-based): chr7:76,054,942, A>C. VCF-style: chr7-76054942-A-C. GRCh37 (hg19) VCF-style: chr7-75684260-A-C.
Other names: c.179A>C, p.His60Pro (NM_001282403.2); c.-86-2468A>C (NM_001282404.2); short protein forms H60P.
Identifiers: ClinVar variation 1780317 (VCV001780317.9), dbSNP rs781880905, ClinGen allele CA367762566.